The following is an entry in ClinVar:

ClinVar aggregate classification (germline): Likely benign. Review status: criteria provided, multiple submitters, no conflicts (2 of 4 stars). 6 submissions from 6 submitters: Likely benign (6). Last evaluated 2026-08-25.

Conditions:
Focal segmental glomerulosclerosis 5 (FSGS5). Identifiers: Orphanet 656, MedGen C2750475, MONDO:0013191, OMIM 613237.
INF2-related disorder. Also called: INF2-related condition.
Inborn genetic diseases. Identifiers: MedGen C0950123, MeSH D030342.
Charcot-Marie-Tooth disease dominant intermediate E. Also called: CHARCOT-MARIE-TOOTH NEUROPATHY WITH FOCAL SEGMENTAL GLOMERULONEPHRITIS. Identifiers: Orphanet 93114, MedGen C4302667, MONDO:0013758, OMIM 614455.

Allele frequency attached by ClinVar (database versions not stated): ESP Exome Variant Server 0.00033; gnomAD exomes 0.00009 and 0.00020; ExAC 0.00012; gnomAD 0.00013 and 0.00014; TOPMed 0.00014.
gnomAD v4.1: 305 of 1,597,666 alleles (0.019%); highest among the groups gnomAD compares: Non-Finnish European, 0.025%; 1 homozygote.

Submissions (6):

PreventionGenetics, part of Exact Sciences
Classification: Likely benign for INF2-related condition. Last evaluated: 2026-08-25. Review status: criteria provided, single submitter. Criteria: ACMG Guidelines, 2015. Collection method: clinical testing. Allele origin: germline.
Comment: This variant is classified as likely benign based on ACMG/AMP sequence variant interpretation guidelines (Richards et al. 2015 PMID: 25741868, with internal and published modifications).

Labcorp Genetics (formerly Invitae), Labcorp
Classification: Likely benign for Charcot-Marie-Tooth disease dominant intermediate E; Focal segmental glomerulosclerosis 5. Last evaluated: 2026-01-26. Review status: criteria provided, single submitter. Criteria: Invitae Variant Classification Sherloc (09022015). Collection method: clinical testing. Allele origin: germline.

ARUP Laboratories, Molecular Genetics and Genomics, ARUP Laboratories
Classification: Likely benign. Last evaluated: 2025-04-21. Review status: criteria provided, single submitter. Criteria: ARUP Molecular Germline Variant Investigation Process 2024. Collection method: clinical testing. Allele origin: germline.

Mayo Clinic Laboratories, Mayo Clinic
Classification: Likely benign. Last evaluated: 2024-10-11. Review status: criteria provided, single submitter. Criteria: ACMG Guidelines, 2015. Collection method: clinical testing. Allele origin: germline. Observed: 3 variant alleles.
Comment: BS2, BP4

Ambry Genetics
Classification: Likely benign for Inborn genetic diseases. Last evaluated: 2020-03-19. Review status: criteria provided, single submitter. Criteria: Ambry Variant Classification Scheme 2023. Collection method: clinical testing. Allele origin: germline.

Illumina Laboratory Services, Illumina
Classification: Likely benign for Focal segmental glomerulosclerosis 5. Last evaluated: 2018-01-13. Review status: criteria provided, single submitter. Criteria: ICSL Variant Classification Criteria 13 December 2019. Collection method: clinical testing. Allele origin: germline.
Comment: This variant was observed in the ICSL laboratory as part of a predisposition screen in an ostensibly healthy population. It had not been previously curated by ICSL or reported in the Human Gene Mutation Database (HGMD: prior to June 1st, 2018), and was therefore a candidate for classification through an automated scoring system. Utilizing variant allele frequency, disease prevalence and penetrance estimates, and inheritance mode, an automated score was calculated to assess if this variant is too frequent to cause the disease. Based on the score and internal cut-off values, a variant classified as likely benign is not then subjected to further curation. The score for this variant resulted in a classification of likely benign for this disease.

NM_022489.4(INF2):c.3206C>T (p.Pro1069Leu)

Gene: INF2 (inverted formin 2; plus strand). Cytogenetic location: 14q32.33.
Variant type: single nucleotide variant.
Coding change: c.3206C>T on transcript NM_022489.4 (MANE Select); coding-DNA position 3206, C replaced by T.
Protein change: p.Pro1069Leu; replaces proline 1069 with leucine.
Molecular consequence: missense variant.
Genome position (GRCh38, 1-based): chr14:104,714,368, C>T. VCF-style: chr14-104714368-C-T. GRCh37 (hg19) VCF-style: chr14-105180705-C-T.
Other names: p.Pro1069Leu; c.3206C>T, p.Pro1069Leu (NM_001031714.4); short protein forms P1069L.
Identifiers: ClinVar variation 312708 (VCV000312708.18), dbSNP rs376139171, ClinGen allele CA7373199.